The following is an entry in ClinVar:

ClinVar aggregate classification (germline): Uncertain significance. Review status: criteria provided, multiple submitters, no conflicts (2 of 4 stars). 3 submissions from 3 submitters: Uncertain significance (2). 1 of the submissions does not count toward it. Last evaluated 2025-03-18.

Conditions:
USH2A-related disorder. Also called: USH2A-related condition; USH2A-related disorders. Identifiers: MedGen CN239332.
Usher syndrome type 2A. Also called: USHER SYNDROME, TYPE IIA; RETINAL DISEASE IN USHER SYNDROME TYPE IIA, MODIFIER OF. Identifiers: Orphanet 231178, Orphanet 886, MedGen C1848634, MONDO:0010169, OMIM 276901.

gnomAD v4.1: 11 of 1,614,072 alleles (0.00068%); highest among the groups gnomAD compares: Admixed American, 0.0017%; no homozygotes.

Submissions (3):

PreventionGenetics, part of Exact Sciences
Classification: Uncertain significance for USH2A-related condition. Last evaluated: 2025-03-18. Review status: criteria provided, single submitter. Criteria: ACMG Guidelines, 2015. Collection method: clinical testing. Allele origin: germline.
Comment: The USH2A c.8778G>T variant is predicted to result in the amino acid substitution p.Glu2926Asp. This variant was reported as causative in an individual with retinal disease, however information about second variant USH2A variant was not provided (Table S1, Karali et al. 2022. PubMed ID: 36460718). This variant is reported in 0.0023% of alleles in individuals of European (Non-Finnish) descent in gnomAD. At this time, the clinical significance of this variant is uncertain due to the absence of conclusive functional and genetic evidence.

ARUP Laboratories, Molecular Genetics and Genomics, ARUP Laboratories
Classification: Uncertain significance. Last evaluated: 2017-06-02. Review status: criteria provided, single submitter. Criteria: ARUP Molecular Germline Variant Investigation Process. Collection method: clinical testing. Allele origin: germline.
Comment: The USH2A c.8778G>T;p.Glu2926Asp variant has not been described in the medical literature, in gene-specific databases, or in the ClinVar database. The variant is listed in the dbSNP variant database (rs374146074) with an allele frequency of 0.001 percent (3/277044 alleles) in the Genome Aggregation Database. The amino acid at this position is moderately conserved across species and computational algorithms (AlignGVGD, PolyPhen2, SIFT) predict this variant is tolerated. Considering available information, the clinical significance of this variant cannot be determined with certainty.

Natera, Inc.
Classification: Uncertain significance for Usher syndrome type 2A. Last evaluated: 2020-09-16. Review status: no assertion criteria provided. Collection method: clinical testing. Allele origin: germline. Not counted in ClinVar's aggregate classification.

NM_206933.4(USH2A):c.8778G>T (p.Glu2926Asp)

Gene: USH2A (usherin; minus strand). Cytogenetic location: 1q41.
Variant type: single nucleotide variant.
Coding change: c.8778G>T on transcript NM_206933.4 (MANE Select); coding-DNA position 8778, G replaced by T.
Protein change: p.Glu2926Asp; replaces glutamic acid 2926 with aspartic acid.
Molecular consequence: missense variant.
Genome position (GRCh38, 1-based): chr1:215,867,074, C>A on the plus strand (G>T on the coding strand, the complement: USH2A is on the minus strand). VCF-style: chr1-215867074-C-A. GRCh37 (hg19) VCF-style: chr1-216040416-C-A.
Other names: short protein forms E2926D.
Identifiers: ClinVar variation 618474 (VCV000618474.11), dbSNP rs374146074, ClinGen allele CA1394512.